The following is an entry in ClinVar:

NM_002769.5(PRSS1):c.302G>A (p.Arg101Lys)

Genes: TRB (T cell receptor beta locus; plus strand), PRSS1 (serine protease 1; plus strand). Cytogenetic location: 7q34.
Variant type: single nucleotide variant.
Coding change: c.302G>A on transcript NM_002769.5 (MANE Select); coding-DNA position 302, G replaced by A.
Protein change: p.Arg101Lys; replaces arginine 101 with lysine.
Molecular consequence: missense variant. On other transcripts: non-coding transcript variant (4).
Genome position (GRCh38, 1-based): chr7:142,751,875, G>A. VCF-style: chr7-142751875-G-A. GRCh37 (hg19) VCF-style: chr7-142459726-G-A.
Other names: short protein forms R101K.
Identifiers: ClinVar variation 1799014 (VCV001799014.4), dbSNP rs2116977565, ClinGen allele CA369608729.

ClinVar aggregate classification (germline): Uncertain significance (1 of 4 stars; one submission).

Conditions:
Hereditary pancreatitis (PCTT). Also called: Hereditary chronic pancreatitis; PRSS1-Related Hereditary Pancreatitis. Identifiers: Orphanet 676, MedGen C0238339, MONDO:0008185, OMIM 167800.

Submission:

Ambry Genetics
Classification: Uncertain significance for Hereditary pancreatitis. Last evaluated: 2025-06-07. Review status: criteria provided, single submitter. Criteria: Ambry Variant Classification Scheme 2023. Collection method: clinical testing. Allele origin: germline.
Comment: The p.R101K variant (also known as c.302G>A), located in coding exon 3 of the PRSS1 gene, results from a G to A substitution at nucleotide position 302. The arginine at codon 101 is replaced by lysine, an amino acid with highly similar properties. This amino acid position is poorly conserved in available vertebrate species. In addition, this alteration is predicted to be tolerated by in silico analysis. Since supporting evidence is limited at this time, the clinical significance of this alteration remains unclear.